The following is an entry in ClinVar:

ClinVar aggregate classification (germline): Uncertain significance (1 of 4 stars; one submission).

Conditions:
ZIC3-related disorder. Also called: ZIC3-related condition; ZIC3-Related Disorders.

Allele frequency attached by ClinVar (database versions not stated): gnomAD exomes 0.00002.
gnomAD v4.1: 14 of 1,211,108 alleles (0.0012%); highest among the groups gnomAD compares: Non-Finnish European, 0.0016%; no homozygotes.

Submission:

PreventionGenetics, part of Exact Sciences
Classification: Uncertain significance for ZIC3-related condition. Last evaluated: 2023-09-21. Review status: criteria provided, single submitter. Criteria: ACMG Guidelines, 2015. Collection method: clinical testing. Allele origin: germline.
Comment: The ZIC3 c.653A>G variant is predicted to result in the amino acid substitution p.Asn218Ser. To our knowledge, this variant has not been reported in the literature or in a large population database, indicating this variant is rare. At this time, the clinical significance of this variant is uncertain due to the absence of conclusive functional and genetic evidence.

NM_003413.4(ZIC3):c.653A>G (p.Asn218Ser)

Gene: ZIC3 (Zic family zinc finger 3; plus strand). Cytogenetic location: Xq26.3.
Variant type: single nucleotide variant.
Coding change: c.653A>G on transcript NM_003413.4 (MANE Select); coding-DNA position 653, A replaced by G.
Protein change: p.Asn218Ser; replaces asparagine 218 with serine.
Molecular consequence: missense variant.
Genome position (GRCh38, 1-based): chrX:137,567,344, A>G. VCF-style: chrX-137567344-A-G. GRCh37 (hg19) VCF-style: chrX-136649503-A-G.
Other names: c.653A>G, p.Asn218Ser (NM_001330661.1); short protein forms N218S.
Identifiers: ClinVar variation 2630782 (VCV002630782.1), dbSNP rs1653458762, ClinGen allele CA414770383.